The following is an entry in ClinVar:

ClinVar aggregate classification (germline): Uncertain significance (1 of 4 stars; one submission).

Allele frequency attached by ClinVar (database versions not stated): gnomAD exomes below 0.00001.
gnomAD v4.1: 3 of 1,613,248 alleles (0.00019%); highest among the groups gnomAD compares: South Asian, 0.0011%; no homozygotes.

Submission:

Labcorp Genetics (formerly Invitae), Labcorp
Classification: Uncertain significance. Last evaluated: 2022-07-26. Review status: criteria provided, single submitter. Criteria: Invitae Variant Classification Sherloc (09022015). Collection method: clinical testing. Allele origin: germline.
Comment: In summary, the available evidence is currently insufficient to determine the role of this variant in disease. Therefore, it has been classified as a Variant of Uncertain Significance. Algorithms developed to predict the effect of missense changes on protein structure and function are either unavailable or do not agree on the potential impact of this missense change (SIFT: "Deleterious"; PolyPhen-2: "Probably Damaging"; Align-GVGD: "Class C0"). This variant has not been reported in the literature in individuals affected with KDM5A-related conditions. This variant is present in population databases (no rsID available, gnomAD 0.003%). This sequence change replaces arginine, which is basic and polar, with glutamine, which is neutral and polar, at codon 1077 of the KDM5A protein (p.Arg1077Gln).

NM_001042603.3(KDM5A):c.3230G>A (p.Arg1077Gln)

Gene: KDM5A (lysine demethylase 5A; minus strand). Cytogenetic location: 12p13.33.
Variant type: single nucleotide variant.
Coding change: c.3230G>A on transcript NM_001042603.3 (MANE Select); coding-DNA position 3230, G replaced by A.
Protein change: p.Arg1077Gln; replaces arginine 1077 with glutamine.
Molecular consequence: missense variant.
Genome position (GRCh38, 1-based): chr12:309,951, C>T on the plus strand (G>A on the coding strand, the complement: KDM5A is on the minus strand). VCF-style: chr12-309951-C-T. GRCh37 (hg19) VCF-style: chr12-419117-C-T.
Other names: short protein forms R1077Q.
Identifiers: ClinVar variation 2418450 (VCV002418450.6), dbSNP rs1443684874, ClinGen allele CA383633373.